The following is an entry in ClinVar:

ClinVar aggregate classification (germline): Uncertain significance. Review status: reviewed by expert panel (3 of 4 stars). 3 submissions from 3 submitters: Uncertain significance (1). 2 of the submissions do not count toward it. Last evaluated 2025-01-15.

Conditions:
Inborn genetic diseases. Identifiers: MedGen C0950123, MeSH D030342.
Hereditary thrombocytopenia and hematological cancer predisposition syndrome associated with RUNX1. Also called: Familial Platelet Disorder with Propensity to Acute Myelogenous Leukemia; Familial thrombocytopenia with propensity to acute myelogenous leukemia; PLATELET DISORDER, ASPIRIN-LIKE; RUNX1 Familial Platelet Disorder with Associated Myeloid Malignancies. Identifiers: Orphanet 71290, MedGen C1832388, MeSH C563324, MONDO:0100083, OMIM 601399.
Hereditary thrombocytopenia and hematologic cancer predisposition syndrome. Identifiers: Orphanet 71290, MedGen CN281654, MONDO:0011071.

Submissions (3):

ClinGen Myeloid Malignancy Variant Curation Expert Panel
Classification: Uncertain significance for Hereditary thrombocytopenia and hematologic cancer predisposition syndrome. Last evaluated: 2025-01-15. Review status: reviewed by expert panel. Criteria: ClinGen MyeloMalig ACMG Specifications v2. Collection method: curation. Allele origin: germline. Inheritance: Autosomal dominant inheritance.
Comment: NM_001754.5(RUNX1):c.947A>G (p.Glu316Gly) is a missense variant which has not been reported in any populations featured in any version of gnomAD, allowing for the application of PM2_supporting. This variant has a SpliceAI score of 0 and a REVEL score of 0.138, allowing for the application of BP4. In summary, the clinical significance of this variant is uncertain. ACMG/AMP criteria applied, as specified by the Myeloid Malignancy Variant Curation Expert Panel for RUNX1: PM2_supporting, BP4.

Ambry Genetics
Classification: Uncertain significance for Inborn genetic diseases. Last evaluated: 2025-02-28. Review status: criteria provided, single submitter. Criteria: Ambry Variant Classification Scheme 2023. Collection method: clinical testing. Allele origin: germline. Not counted in ClinVar's aggregate classification.
Comment: The p.E316G variant (also known as c.947A>G), located in coding exon 7 of the RUNX1 gene, results from an A to G substitution at nucleotide position 947. The glutamic acid at codon 316 is replaced by glycine, an amino acid with similar properties. This amino acid position is conserved. In addition, this alteration is predicted to be tolerated by in silico analysis. Based on the available evidence, the clinical significance of this variant remains unclear.

Labcorp Genetics (formerly Invitae), Labcorp
Classification: Uncertain significance for Hereditary thrombocytopenia and hematological cancer predisposition syndrome associated with RUNX1. Last evaluated: 2022-12-22. Review status: criteria provided, single submitter. Criteria: Invitae Variant Classification Sherloc (09022015). Collection method: clinical testing. Allele origin: germline. Not counted in ClinVar's aggregate classification.
Comment: This variant has not been reported in the literature in individuals affected with RUNX1-related conditions. Advanced modeling of protein sequence and biophysical properties (such as structural, functional, and spatial information, amino acid conservation, physicochemical variation, residue mobility, and thermodynamic stability) performed at Invitae indicates that this missense variant is not expected to disrupt RUNX1 protein function. This variant is not present in population databases (gnomAD no frequency). This sequence change replaces glutamic acid, which is acidic and polar, with glycine, which is neutral and non-polar, at codon 316 of the RUNX1 protein (p.Glu316Gly). In summary, the available evidence is currently insufficient to determine the role of this variant in disease. Therefore, it has been classified as a Variant of Uncertain Significance.

NM_001754.5(RUNX1):c.947A>G (p.Glu316Gly)

Gene: RUNX1 (RUNX family transcription factor 1; minus strand). Cytogenetic location: 21q22.12.
Variant type: single nucleotide variant.
Coding change: c.947A>G on transcript NM_001754.5 (MANE Select); coding-DNA position 947, A replaced by G.
Protein change: p.Glu316Gly; replaces glutamic acid 316 with glycine.
Molecular consequence: missense variant.
Genome position (GRCh38, 1-based): chr21:34,799,321, T>C on the plus strand (A>G on the coding strand, the complement: RUNX1 is on the minus strand). VCF-style: chr21-34799321-T-C. GRCh37 (hg19) VCF-style: chr21-36171618-T-C.
Other names: NM_001754.5(RUNX1):c.947A>G; p.Glu316Gly; c.866A>G, p.Glu289Gly (NM_001001890.3); short protein forms E289G, E316G.
Identifiers: ClinVar variation 2823312 (VCV002823312.5), dbSNP rs2145907400, ClinGen allele CA410149602.